The following is an entry in ClinVar:

ClinVar aggregate classification (germline): Uncertain significance (1 of 4 stars; one submission).

Conditions:
Chédiak-Higashi syndrome (CHS). Also called: Chediak-Higashi Syndrome. Identifiers: Orphanet 167, MedGen C0007965, MONDO:0008963, OMIM 214500.

Allele frequency attached by ClinVar (database versions not stated): ExAC 0.00001.
gnomAD v4.1: 2 of 1,614,154 alleles (0.00012%); highest among the groups gnomAD compares: Non-Finnish European, 0.00017%; no homozygotes.

Submission:

Labcorp Genetics (formerly Invitae), Labcorp
Classification: Uncertain significance for Chédiak-Higashi syndrome. Last evaluated: 2021-09-01. Review status: criteria provided, single submitter. Criteria: Invitae Variant Classification Sherloc (09022015). Collection method: clinical testing. Allele origin: germline.
Comment: This sequence change replaces methionine with leucine at codon 2742 of the LYST protein (p.Met2742Leu). The methionine residue is weakly conserved and there is a small physicochemical difference between methionine and leucine. This variant is present in population databases (rs766760874, ExAC 0.002%). This variant has not been reported in the literature in individuals affected with LYST-related conditions. Algorithms developed to predict the effect of missense changes on protein structure and function (SIFT, PolyPhen-2, Align-GVGD) all suggest that this variant is likely to be tolerated. In summary, the available evidence is currently insufficient to determine the role of this variant in disease. Therefore, it has been classified as a Variant of Uncertain Significance.

NM_000081.4(LYST):c.8224A>C (p.Met2742Leu)

Gene: LYST (lysosomal trafficking regulator; minus strand). Cytogenetic location: 1q42.3.
Variant type: single nucleotide variant.
Coding change: c.8224A>C on transcript NM_000081.4 (MANE Select); coding-DNA position 8224, A replaced by C.
Protein change: p.Met2742Leu; replaces methionine 2742 with leucine.
Molecular consequence: missense variant.
Genome position (GRCh38, 1-based): chr1:235,741,556, T>G on the plus strand (A>C on the coding strand, the complement: LYST is on the minus strand). VCF-style: chr1-235741556-T-G. GRCh37 (hg19) VCF-style: chr1-235904856-T-G.
Other names: c.8224A>C, p.Met2742Leu (NM_001301365.1); short protein forms M2742L.
Identifiers: ClinVar variation 1420093 (VCV001420093.5), dbSNP rs766760874, ClinGen allele CA1465922.